The following is an entry in ClinVar:

ClinVar aggregate classification (germline): Conflicting classifications of pathogenicity. Review status: criteria provided, conflicting classifications (1 of 4 stars). 2 submissions from 2 submitters: Uncertain significance (1); Likely benign (1). Last evaluated 2026-02-23.

Conditions:
Inborn genetic diseases. Identifiers: MedGen C0950123, MeSH D030342.
CYP24A1-related disorder. Also called: CYP24A1-related condition.

Allele frequency attached by ClinVar (database versions not stated): gnomAD 0.00002; TOPMed 0.00002.
gnomAD v4.1: 24 of 1,577,018 alleles (0.0015%); highest among the groups gnomAD compares: Middle Eastern, 0.28%; no homozygotes.

Submissions (2):

PreventionGenetics, part of Exact Sciences
Classification: Uncertain significance for CYP24A1-related condition. Last evaluated: 2026-02-23. Review status: criteria provided, single submitter. Criteria: ACMG Guidelines, 2015. Collection method: clinical testing. Allele origin: germline.
Comment: The CYP24A1 c.856A>G variant is predicted to result in the amino acid substitution p.Ile286Val. To our knowledge, this variant has not been reported in the literature in individual(s) with CYP24A1-related disease. This variant is reported in 0.0058% of alleles in individuals of Latino descent in gnomAD. At this time, the clinical significance of this variant is uncertain due to the absence of conclusive functional and genetic evidence.

Ambry Genetics
Classification: Likely benign for Inborn genetic diseases. Last evaluated: 2023-04-12. Review status: criteria provided, single submitter. Criteria: Ambry Variant Classification Scheme 2023. Collection method: clinical testing. Allele origin: germline.

NM_000782.5(CYP24A1):c.856A>G (p.Ile286Val)

Gene: CYP24A1 (cytochrome P450 family 24 subfamily A member 1; minus strand). Cytogenetic location: 20q13.2.
Variant type: single nucleotide variant.
Coding change: c.856A>G on transcript NM_000782.5 (MANE Select); coding-DNA position 856, A replaced by G.
Protein change: p.Ile286Val; replaces isoleucine 286 with valine.
Molecular consequence: missense variant.
Genome position (GRCh38, 1-based): chr20:54,162,851, T>C on the plus strand (A>G on the coding strand, the complement: CYP24A1 is on the minus strand). VCF-style: chr20-54162851-T-C. GRCh37 (hg19) VCF-style: chr20-52779390-T-C.
Other names: c.856A>G, p.Ile286Val (NM_001128915.2); short protein forms I286V.
Identifiers: ClinVar variation 2549031 (VCV002549031.3), dbSNP rs866441419, ClinGen allele CA316156978.